The following is an entry in ClinVar:

ClinVar aggregate classification (germline): Uncertain significance (1 of 4 stars; one submission).

gnomAD v4.1: 1 of 1,614,194 alleles (0.000062%); highest among the groups gnomAD compares: African/African-American, 0.0013%; no homozygotes.

Submission:

Dasa
Classification: Uncertain significance. Last evaluated: 2024-07-25. Review status: criteria provided, single submitter. Criteria: DASA Assertion Criteria. Collection method: clinical testing. Allele origin: germline.
Comment: NM_001040142.2(SCN2A):c.1850A>C (p.His617Pro) is a missense variant that results in the substitution of histidine with proline. This variant is rare in population databases. Computational prediction algorithms are consistent with a benign effect. The currently available literature and clinical evidence are not sufficient to establish a definitive association between this variant and the reported condition. Therefore, this variant is classified as a variant of uncertain significance.

NM_001040142.2(SCN2A):c.1850A>C (p.His617Pro)

Gene: SCN2A (sodium voltage-gated channel alpha subunit 2; plus strand). Cytogenetic location: 2q24.3.
Variant type: single nucleotide variant.
Coding change: c.1850A>C on transcript NM_001040142.2 (MANE Select); coding-DNA position 1850, A replaced by C.
Protein change: p.His617Pro; replaces histidine 617 with proline.
Molecular consequence: missense variant.
Genome position (GRCh38, 1-based): chr2:165,323,334, A>C. VCF-style: chr2-165323334-A-C. GRCh37 (hg19) VCF-style: chr2-166179844-A-C.
Other names: c.1850A>C, p.His617Pro (NM_001040143.2, NM_001371246.1, NM_001371247.1 and 1 more transcripts); short protein forms H617P.
Identifiers: ClinVar variation 4885338 (VCV004885338.2).